The following is an entry in ClinVar:

ClinVar aggregate classification (germline): Uncertain significance. Review status: criteria provided, single submitter (1 of 4 stars). 2 submissions from 2 submitters: Uncertain significance (1). 1 of the submissions does not count toward it. Last evaluated 2023-04-18.

Conditions:
Hereditary cancer-predisposing syndrome. Also called: Tumor predisposition; Hereditary Cancer Syndrome; Neoplastic Syndromes, Hereditary; Hereditary neoplastic syndrome. Identifiers: Orphanet 140162, MedGen C0027672, MeSH D009386, MONDO:0015356.
Tuberous sclerosis syndrome (TSC). Also called: Tuberous Sclerosis Complex; Tuberous sclerosis. Identifiers: Orphanet 805, MedGen C0041341, MONDO:0001734.

Submissions (2):

Ambry Genetics
Classification: Uncertain significance for Hereditary cancer-predisposing syndrome. Last evaluated: 2023-04-18. Review status: criteria provided, single submitter. Criteria: Ambry Variant Classification Scheme 2023. Collection method: clinical testing. Allele origin: germline.
Comment: The p.Y1788F variant (also known as c.5363A>T), located in coding exon 41 of the TSC2 gene, results from an A to T substitution at nucleotide position 5363. The tyrosine at codon 1788 is replaced by phenylalanine, an amino acid with highly similar properties. This amino acid position is conserved. In addition, the in silico prediction for this alteration is inconclusive. Since supporting evidence is limited at this time, the clinical significance of this alteration remains unclear.

Tuberous sclerosis database (TSC2)
No classification provided. Condition: TSC. Review status: no classification provided. Criteria: Tuberous Sclerosis Database Assertion Criteria 2015. Collection method: curation. Allele origin: germline. Affected: yes. Not counted in ClinVar's aggregate classification.

NM_000548.5(TSC2):c.5363A>T (p.Tyr1788Phe)

Gene: TSC2 (TSC complex subunit 2; plus strand). Cytogenetic location: 16p13.3.
Variant type: single nucleotide variant.
Coding change: c.5363A>T on transcript NM_000548.5 (MANE Select); coding-DNA position 5363, A replaced by T.
Protein change: p.Tyr1788Phe; replaces tyrosine 1788 with phenylalanine.
Molecular consequence: missense variant.
Genome position (GRCh38, 1-based): chr16:2,088,549, A>T. VCF-style: chr16-2088549-A-T. GRCh37 (hg19) VCF-style: chr16-2138550-A-T.
Other names: c.5054A>T, p.Tyr1685Phe (NM_001318827.2); c.5018A>T, p.Tyr1673Phe (NM_001318829.2); c.4631A>T, p.Tyr1544Phe (NM_001318831.2); c.5195A>T, p.Tyr1732Phe (NM_001318832.2); c.5165A>T, p.Tyr1722Phe (NM_001363528.2); c.5231A>T, p.Tyr1744Phe (NM_001370404.1); c.5222A>T, p.Tyr1741Phe (NM_001370405.1); c.5234A>T, p.Tyr1745Phe (NM_021055.3); and 2 more; short protein forms Y1788F, Y1673F, Y1685F, Y1721F, Y1722F, Y1765F, Y1544F, Y1732F.
Identifiers: ClinVar variation 65302 (VCV000065302.4), dbSNP rs397515221, ClinGen allele CA022414.